The following is an entry in ClinVar:

NM_002292.4(LAMB2):c.4369C>T (p.Arg1457Trp)

Gene: LAMB2 (laminin subunit beta 2; minus strand). Cytogenetic location: 3p21.31.
Variant type: single nucleotide variant.
Coding change: c.4369C>T on transcript NM_002292.4 (MANE Select); coding-DNA position 4369, C replaced by T.
Protein change: p.Arg1457Trp; replaces arginine 1457 with tryptophan.
Molecular consequence: missense variant.
Genome position (GRCh38, 1-based): chr3:49,122,908, G>A on the plus strand (C>T on the coding strand, the complement: LAMB2 is on the minus strand). VCF-style: chr3-49122908-G-A. GRCh37 (hg19) VCF-style: chr3-49160341-G-A.
Other names: p.Arg1457Trp; short protein forms R1457W.
Identifiers: ClinVar variation 345978 (VCV000345978.13), dbSNP rs151037751, ClinGen allele CA2393804.
Genomic context (GRCh38, chr3:49,122,908, plus strand): 5'-CTCTGCTGAGGATGCTACCACCTTCTGCCAGTGCCCGCTGCAGCTCTGCCTGTGTGTGCC[G>A]GGCCCGGCCCAGTGCTAGGTCTGCTGTAGCCGCTGCCCCATTGCAGCTGAGGCCCCCACA-3'
Protein context (NP_002283.3, residues 1447-1467): ATADLALGRA[Arg1457Trp]HTQAELQRAL

ClinVar aggregate classification (germline): Conflicting classifications of pathogenicity. Review status: criteria provided, conflicting classifications (1 of 4 stars). 4 submissions from 3 submitters: Uncertain significance (2); Likely benign (2). Last evaluated 2025-09-29.

Conditions:
LAMB2-related infantile-onset nephrotic syndrome. Also called: NEPHROTIC SYNDROME, TYPE 5, WITHOUT OCULAR ABNORMALITIES; NEPHROTIC SYNDROME, TYPE 5, WITH OCULAR ABNORMALITIES; Nephrotic Syndrome, type 5. Identifiers: Orphanet 306507, MedGen C3280113, MONDO:0013621, OMIM 614199.
Pierson syndrome. Also called: MICROCORIA-CONGENITAL NEPHROTIC SYNDROME. Identifiers: Orphanet 2670, MedGen C1836876, MONDO:0012184, OMIM 609049.

Allele frequency attached by ClinVar (database versions not stated): gnomAD 0.00004 and 0.00012; TOPMed 0.00007; ESP Exome Variant Server 0.00008; gnomAD exomes 0.00029; ExAC 0.00040; 1000 Genomes Project 30x 0.00078; 1000 Genomes Project 0.00080.
gnomAD v4.1: 197 of 1,609,320 alleles (0.012%); highest among the groups gnomAD compares: South Asian, 0.17%; 3 homozygotes.

Submissions (4):

Labcorp Genetics (formerly Invitae), Labcorp
Classification: Likely benign for LAMB2-related infantile-onset nephrotic syndrome; Pierson syndrome. Last evaluated: 2025-09-29. Review status: criteria provided, single submitter. Criteria: Invitae Variant Classification Sherloc (09022015). Collection method: clinical testing. Allele origin: germline.

Mayo Clinic Laboratories, Mayo Clinic
Classification: Likely benign. Last evaluated: 2025-07-23. Review status: criteria provided, single submitter. Criteria: ACMG Guidelines, 2015. Collection method: clinical testing. Allele origin: germline. Observed: 1 variant allele.
Comment: BS1, BP4

Illumina Laboratory Services, Illumina
Classification: Uncertain significance for LAMB2-related infantile-onset nephrotic syndrome. Last evaluated: 2018-01-12. Review status: criteria provided, single submitter. Criteria: ICSL Variant Classification Criteria 13 December 2019. Collection method: clinical testing. Allele origin: germline.

Illumina Laboratory Services, Illumina
Classification: Uncertain significance for Pierson syndrome. Last evaluated: 2018-01-12. Review status: criteria provided, single submitter. Criteria: ICSL Variant Classification Criteria 13 December 2019. Collection method: clinical testing. Allele origin: germline.

Literature cited by the submitters: PubMed 35497790 (cited by Mayo Clinic Laboratories, Mayo Clinic).